The following is an entry in ClinVar:

NM_004453.4(ETFDH):c.430G>T (p.Glu144Ter)

Gene: ETFDH (electron transfer flavoprotein dehydrogenase; plus strand). Cytogenetic location: 4q32.1.
Variant type: single nucleotide variant.
Coding change: c.430G>T on transcript NM_004453.4 (MANE Select); coding-DNA position 430, G replaced by T.
Protein change: p.Glu144Ter; replaces glutamic acid 144 with a stop codon.
Molecular consequence: nonsense.
Genome position (GRCh38, 1-based): chr4:158,684,616, G>T. VCF-style: chr4-158684616-G-T. GRCh37 (hg19) VCF-style: chr4-159605768-G-T.
Other names: c.289G>T, p.Glu97Ter (NM_001281737.2); c.247G>T, p.Glu83Ter (NM_001281738.1); short protein forms E144*, E83*, E97*.
Identifiers: ClinVar variation 2675123 (VCV002675123.4), dbSNP rs2479086062, ClinGen allele CA358574986.
Genomic context (GRCh38, chr4:158,684,616, plus strand): 5'-AACTAAAAACATTTCTTTTTCTTCTTTTATTTCTAGGCTCCACTTAACACTCCTGTAACA[G>T]AAGACAGATTTGGAATTTTAACAGAGAAATACAGAATTCCTGTGCCAATTCTTCCAGGTA-3'

ClinVar aggregate classification (germline): Pathogenic/Likely pathogenic. Review status: criteria provided, multiple submitters, no conflicts (2 of 4 stars). 2 submissions from 2 submitters: Pathogenic (1); Likely pathogenic (1). Last evaluated 2023-10-08.

Conditions:
Multiple acyl-CoA dehydrogenase deficiency (MADD). Also called: ETHYLMALONIC-ADIPICACIDURIA; GA II; Glutaric Acidemia type 2; Glutaric aciduria, type 2; Glutaric acidemia type II; GA 2. Identifiers: Orphanet 26791, MedGen C0268596, MONDO:0009282, OMIM 231680.

Submissions (2):

Labcorp Genetics (formerly Invitae), Labcorp
Classification: Pathogenic for Multiple acyl-CoA dehydrogenase deficiency. Last evaluated: 2023-10-08. Review status: criteria provided, single submitter. Criteria: Invitae Variant Classification Sherloc (09022015). Collection method: clinical testing. Allele origin: germline.
Comment: This sequence change creates a premature translational stop signal (p.Glu144*) in the ETFDH gene. It is expected to result in an absent or disrupted protein product. Loss-of-function variants in ETFDH are known to be pathogenic (PMID: 16510302, 23785301). This variant is not present in population databases (gnomAD no frequency). This variant has not been reported in the literature in individuals affected with ETFDH-related conditions. For these reasons, this variant has been classified as Pathogenic.

Baylor Genetics
Classification: Likely pathogenic for Multiple acyl-CoA dehydrogenase deficiency. Last evaluated: 2023-02-19. Review status: criteria provided, single submitter. Criteria: ACMG Guidelines, 2015. Collection method: clinical testing. Allele origin: unknown.

Literature cited by the submitters: PubMed 16510302 (cited by Labcorp Genetics (formerly Invitae), Labcorp); PubMed 23785301 (cited by Labcorp Genetics (formerly Invitae), Labcorp).